The following is an entry in ClinVar:

NM_001080458.2(EVX2):c.1164G>C (p.Ser388=)

Gene: EVX2 (even-skipped homeobox 2; minus strand). Cytogenetic location: 2q31.1.
Variant type: single nucleotide variant.
Coding change: c.1164G>C on transcript NM_001080458.2 (MANE Select); coding-DNA position 1164, G replaced by C.
Protein change: p.Ser388=; no amino-acid change (serine 388 retained).
Molecular consequence: synonymous variant.
Genome position (GRCh38, 1-based): chr2:176,080,374, C>G on the plus strand (G>C on the coding strand, the complement: EVX2 is on the minus strand). VCF-style: chr2-176080374-C-G. GRCh37 (hg19) VCF-style: chr2-176945102-C-G.
Identifiers: ClinVar variation 2651556 (VCV002651556.24), dbSNP rs757906013, ClinGen allele CA60874448.
Genomic context (GRCh38, chr2:176,080,374, plus strand): 5'-GGCTGCGGCAGCTGCTGCCGCGGCTGCCGCCGCCGACTGACTGCTGTGGCAACTGAGGCA[C>G]GAGCAGGGTGCAGAGCCGCCGCTGGGGGGCGCGCCGGCCGCCGCCGCCGAGGAGGCCGCA-3'
Protein context (NP_001073927.1, residues 378-398): APPSGGSAPC[Ser388=]CLSCHSSQSA

ClinVar aggregate classification (germline): Likely benign (1 of 4 stars; one submission).

Allele frequency attached by ClinVar (database versions not stated): TOPMed 0.00033.
gnomAD v4.1: 526 of 1,219,346 alleles (0.043%); highest among the groups gnomAD compares: Non-Finnish European, 0.05%; no homozygotes.

Submission:

CeGaT Center for Human Genetics Tuebingen
Classification: Likely benign. Last evaluated: 2022-07-01. Review status: criteria provided, single submitter. Criteria: CeGaT Center For Human Genetics Tuebingen Variant Classification Criteria Version 2. Collection method: clinical testing. Allele origin: germline. Affected: yes. Observed: 1 variant allele.
Comment: EVX2: BP4, BP7